The following is an entry in ClinVar:

NM_006914.4(RORB):c.307C>T (p.Arg103Trp)

Gene: RORB (RAR related orphan receptor B; plus strand). Cytogenetic location: 9q21.13.
Variant type: single nucleotide variant.
Coding change: c.307C>T on transcript NM_006914.4 (MANE Select); coding-DNA position 307, C replaced by T.
Protein change: p.Arg103Trp; replaces arginine 103 with tryptophan.
Molecular consequence: missense variant.
Genome position (GRCh38, 1-based): chr9:74,642,485, C>T. VCF-style: chr9-74642485-C-T. GRCh37 (hg19) VCF-style: chr9-77257401-C-T.
Other names: c.340C>T, p.Arg114Trp (NM_001365023.1); short protein forms R114W, R103W.
Identifiers: ClinVar variation 1412820 (VCV001412820.6), dbSNP rs1420169577, ClinGen allele CA373769574.

ClinVar aggregate classification (germline): Uncertain significance (1 of 4 stars; one submission).

Allele frequency attached by ClinVar (database versions not stated): gnomAD exomes 0.00001.
gnomAD v4.1: 9 of 1,614,150 alleles (0.00056%); highest among the groups gnomAD compares: East Asian, 0.0022%; no homozygotes.

Submission:

Labcorp Genetics (formerly Invitae), Labcorp
Classification: Uncertain significance. Last evaluated: 2022-09-07. Review status: criteria provided, single submitter. Criteria: Invitae Variant Classification Sherloc (09022015). Collection method: clinical testing. Allele origin: germline.
Comment: In summary, the available evidence is currently insufficient to determine the role of this variant in disease. Therefore, it has been classified as a Variant of Uncertain Significance. Algorithms developed to predict the effect of missense changes on protein structure and function (SIFT, PolyPhen-2, Align-GVGD) all suggest that this variant is likely to be disruptive. ClinVar contains an entry for this variant (Variation ID: 1412820). This variant has not been reported in the literature in individuals affected with RORB-related conditions. The frequency data for this variant in the population databases is considered unreliable, as metrics indicate poor data quality at this position in the gnomAD database. This sequence change replaces arginine, which is basic and polar, with tryptophan, which is neutral and slightly polar, at codon 103 of the RORB protein (p.Arg103Trp).